The following is an entry in ClinVar:

ClinVar aggregate classification (germline): Uncertain significance (1 of 4 stars; one submission).

Allele frequency attached by ClinVar (database versions not stated): gnomAD exomes 0.00001.
gnomAD v4.1: 5 of 1,613,896 alleles (0.00031%); highest among the groups gnomAD compares: South Asian, 0.0011%; no homozygotes.

Submission:

Labcorp Genetics (formerly Invitae), Labcorp
Classification: Uncertain significance. Last evaluated: 2022-03-26. Review status: criteria provided, single submitter. Criteria: Invitae Variant Classification Sherloc (09022015). Collection method: clinical testing. Allele origin: germline.
Comment: This variant has not been reported in the literature in individuals affected with COL10A1-related conditions. This variant is not present in population databases (gnomAD no frequency). This sequence change replaces glycine, which is neutral and non-polar, with alanine, which is neutral and non-polar, at codon 288 of the COL10A1 protein (p.Gly288Ala). Algorithms developed to predict the effect of missense changes on protein structure and function are either unavailable or do not agree on the potential impact of this missense change (SIFT: "Deleterious"; PolyPhen-2: "Not Available"; Align-GVGD: "Class C0"). In summary, the available evidence is currently insufficient to determine the role of this variant in disease. Therefore, it has been classified as a Variant of Uncertain Significance.

NM_000493.4(COL10A1):c.863G>C (p.Gly288Ala)

Genes: COL10A1 (collagen type X alpha 1 chain; minus strand), NT5DC1 (5'-nucleotidase domain containing 1; plus strand). Cytogenetic location: 6q22.1.
Variant type: single nucleotide variant.
Coding change: c.863G>C on transcript NM_000493.4 (MANE Select); coding-DNA position 863, G replaced by C.
Protein change: p.Gly288Ala; replaces glycine 288 with alanine.
Molecular consequence: missense variant. On other transcripts: intron variant (1).
Genome position (GRCh38, 1-based): chr6:116,121,253, C>G on the plus strand (G>C on the coding strand, the complement: COL10A1 is on the minus strand). VCF-style: chr6-116121253-C-G. GRCh37 (hg19) VCF-style: chr6-116442416-C-G.
Other names: c.863G>C, p.Gly288Ala (NM_001424106.1, NM_001424107.1); c.529+3308C>G (NM_152729.3); short protein forms G288A.
Identifiers: ClinVar variation 1948997 (VCV001948997.5), dbSNP rs1562124023, ClinGen allele CA365392168.
Genomic context (GRCh38, chr6:116,121,253, plus strand): 5'-CCCTTCAGGCCTGGCAAGCCTGGTTTCCCAAAGCCAGGAGGCCCTGGGGGCCCAGCTATT[C>G]CTGGAGCCCCAGGGAGACCTTTTGTTCCTGGAATCCCTGGCTGGCCTGGGGCTCCAGCAG-3'
Protein context (NP_000484.2, residues 278-298): PGTKGLPGAP[Gly288Ala]IAGPPGPPGF